The following is an entry in ClinVar:

NM_001563.4(IMPG1):c.1201G>C (p.Val401Leu)

Gene: IMPG1 (interphotoreceptor matrix proteoglycan 1; minus strand). Cytogenetic location: 6q14.1.
Variant type: single nucleotide variant.
Coding change: c.1201G>C on transcript NM_001563.4 (MANE Select); coding-DNA position 1201, G replaced by C.
Protein change: p.Val401Leu; replaces valine 401 with leucine.
Molecular consequence: missense variant.
Genome position (GRCh38, 1-based): chr6:76,003,885, C>G on the plus strand (G>C on the coding strand, the complement: IMPG1 is on the minus strand). VCF-style: chr6-76003885-C-G. GRCh37 (hg19) VCF-style: chr6-76713602-C-G.
Other names: c.967G>C, p.Val323Leu (NM_001282368.2); short protein forms V323L, V401L.
Identifiers: ClinVar variation 1059790 (VCV001059790.9), dbSNP rs769673335, ClinGen allele CA3898202.

ClinVar aggregate classification (germline): Uncertain significance (1 of 4 stars; one submission).

Allele frequency attached by ClinVar (database versions not stated): ExAC 0.00001; gnomAD 0.00001; gnomAD exomes 0.00001; TOPMed 0.00001.
gnomAD v4.1: 67 of 1,612,280 alleles (0.0042%); highest among the groups gnomAD compares: Non-Finnish European, 0.0053%; no homozygotes.

Submission:

Labcorp Genetics (formerly Invitae), Labcorp
Classification: Uncertain significance. Last evaluated: 2024-03-16. Review status: criteria provided, single submitter. Criteria: Invitae Variant Classification Sherloc (09022015). Collection method: clinical testing. Allele origin: germline.
Comment: This sequence change replaces valine, which is neutral and non-polar, with leucine, which is neutral and non-polar, at codon 401 of the IMPG1 protein (p.Val401Leu). This variant is present in population databases (rs769673335, gnomAD 0.002%). This variant has not been reported in the literature in individuals affected with IMPG1-related conditions. ClinVar contains an entry for this variant (Variation ID: 1059790). An algorithm developed to predict the effect of missense changes on protein structure and function (PolyPhen-2) suggests that this variant is likely to be tolerated. In summary, the available evidence is currently insufficient to determine the role of this variant in disease. Therefore, it has been classified as a Variant of Uncertain Significance.